The following is an entry in ClinVar:

NM_001182.5(ALDH7A1):c.1415+7C>T

Gene: ALDH7A1 (aldehyde dehydrogenase 7 family member A1; minus strand). Cytogenetic location: 5q23.2.
Variant type: single nucleotide variant.
Coding change: c.1415+7C>T on transcript NM_001182.5 (MANE Select); 7 bases into the intron after coding-DNA position 1415, C replaced by T.
Molecular consequence: intron variant.
Genome position (GRCh38, 1-based): chr5:126,550,189, G>A on the plus strand (C>T on the coding strand, the complement: ALDH7A1 is on the minus strand). VCF-style: chr5-126550189-G-A. GRCh37 (hg19) VCF-style: chr5-125885881-G-A.
Other names: c.1223+7C>T (NM_001202404.2); c.1331+7C>T (NM_001201377.2).
Identifiers: ClinVar variation 379813 (VCV000379813.1), dbSNP rs1057520741, ClinGen allele CA16604761.

ClinVar aggregate classification (germline): Likely benign (1 of 4 stars; one submission).

Allele frequency attached by ClinVar (database versions not stated): gnomAD exomes below 0.00001.
gnomAD v4.1: 1 of 1,611,360 alleles (0.000062%); highest among the groups gnomAD compares: Non-Finnish European, 0.000085%; no homozygotes.

Submission:

GeneDx
Classification: Likely benign. Last evaluated: 2015-05-19. Review status: criteria provided, single submitter. Criteria: GeneDx Variant Classification (06012015). Collection method: clinical testing. Allele origin: germline. Affected: yes.
Comment: This variant is considered likely benign or benign based on one or more of the following criteria: it is a conservative change, it occurs at a poorly conserved position in the protein, it is predicted to be benign by multiple in silico algorithms, and/or has population frequency not consistent with disease.